The following is an entry in ClinVar:

NM_000535.7(PMS2):c.1061T>A (p.Val354Asp)

Gene: PMS2 (PMS1 homolog 2, mismatch repair system component; minus strand). Cytogenetic location: 7p22.1.
Variant type: single nucleotide variant.
Coding change: c.1061T>A on transcript NM_000535.7 (MANE Select); coding-DNA position 1061, T replaced by A.
Protein change: p.Val354Asp; replaces valine 354 with aspartic acid.
Molecular consequence: missense variant. On other transcripts: non-coding transcript variant (1), intron variant (10).
Genome position (GRCh38, 1-based): chr7:5,989,883, A>T on the plus strand (T>A on the coding strand, the complement: PMS2 is on the minus strand). VCF-style: chr7-5989883-A-T. GRCh37 (hg19) VCF-style: chr7-6029514-A-T.
Other names: c.656T>A, p.Val219Asp (NM_001322003.2, NM_001322004.2, NM_001322005.2 and 16 more transcripts); c.743T>A, p.Val248Asp (NM_001322007.2, NM_001322008.2, NM_001406876.1 and 2 more transcripts); c.128T>A, p.Val43Asp (NM_001322011.2, NM_001322012.2); c.488T>A, p.Val163Asp (NM_001322013.2, NM_001406909.1); c.1061T>A, p.Val354Asp (NM_001322014.2, NM_001406871.1, NM_001406872.1); c.752T>A, p.Val251Asp (NM_001322015.2, NM_001406875.1, NM_001406877.1 and 5 more transcripts); c.1247T>A, p.Val416Asp (NM_001406866.1); c.1085T>A, p.Val362Asp (NM_001406868.1); and 13 more; short protein forms V219D, V354D, V183D, V232D, V416D, V163D, V248D, V298D.
Identifiers: ClinVar variation 3421505 (VCV003421505.1).
Genomic context (GRCh38, chr7:5,989,883, plus strand): 5'-TGACTGACATTTAGCTTGTTGACATCACTATCAAACATTCCTATCAAAGAGGTCTTTAAA[A>T]CTGCCAACAAAAGCTTTTCCTCTTGTAGCAAAATTTGCCTTTTATCTGGAGTAACATTGA-3'
Protein context (NP_000526.2, residues 344-364): LLQEEKLLLA[Val354Asp]LKTSLIGMFD

ClinVar aggregate classification (germline): Uncertain significance (1 of 4 stars; one submission).

Conditions:
Hereditary cancer-predisposing syndrome. Also called: Neoplastic Syndromes, Hereditary; Tumor predisposition; Hereditary Cancer Syndrome; Hereditary neoplastic syndrome. Identifiers: Orphanet 140162, MedGen C0027672, MeSH D009386, MONDO:0015356.

Submission:

Ambry Genetics
Classification: Uncertain significance for Hereditary cancer-predisposing syndrome. Last evaluated: 2024-09-16. Review status: criteria provided, single submitter. Criteria: Ambry Variant Classification Scheme 2023. Collection method: clinical testing. Allele origin: germline.
Comment: The p.V354D variant (also known as c.1061T>A), located in coding exon 10 of the PMS2 gene, results from a T to A substitution at nucleotide position 1061. The valine at codon 354 is replaced by aspartic acid, an amino acid with highly dissimilar properties. This amino acid position is conserved. In addition, this alteration is predicted to be deleterious by in silico analysis. Based on the available evidence, the clinical significance of this variant remains unclear.